The following is an entry in ClinVar:

NM_001458.5(FLNC):c.5170C>T (p.His1724Tyr)

Gene: FLNC (filamin C; plus strand). Cytogenetic location: 7q32.1.
Variant type: single nucleotide variant.
Coding change: c.5170C>T on transcript NM_001458.5 (MANE Select); coding-DNA position 5170, C replaced by T.
Protein change: p.His1724Tyr; replaces histidine 1724 with tyrosine.
Molecular consequence: missense variant.
Genome position (GRCh38, 1-based): chr7:128,849,549, C>T. VCF-style: chr7-128849549-C-T. GRCh37 (hg19) VCF-style: chr7-128489603-C-T.
Other names: c.5170C>T (NM_001458.4); c.5170C>T, p.His1724Tyr (NM_001127487.2); short protein forms H1724Y.
Identifiers: ClinVar variation 1524077 (VCV001524077.10), dbSNP rs2128937841, ClinGen allele CA369204328.

ClinVar aggregate classification (germline): Uncertain significance. Review status: criteria provided, multiple submitters, no conflicts (2 of 4 stars). 3 submissions from 3 submitters: Uncertain significance (3). Last evaluated 2024-07-25.

Conditions:
Primary dilated cardiomyopathy (DCM). Also called: Dilated Cardiomyopathy. Identifiers: Orphanet 217604, MedGen C0007193, MeSH D002311, MONDO:0005021, HP:0001644. Inheritance: Various modes of inheritance.
Distal myopathy with posterior leg and anterior hand involvement. Also called: WILLIAMS DISTAL MYOPATHY. Identifiers: Orphanet 63273, MedGen C3279722, MONDO:0013550, OMIM 614065.
Hypertrophic cardiomyopathy 26. Also called: Cardiomyopathy, familial hypertrophic, 26. Identifiers: Orphanet 75249, MedGen C4310749, MONDO:0014883, OMIM 617047.
Myofibrillar myopathy 5. Also called: Filaminopathy (type); FILAMINOPATHY, AUTOSOMAL DOMINANT. Identifiers: Orphanet 171445, MedGen C1836050, MONDO:0012289, OMIM 609524.

Allele frequency attached by ClinVar (database versions not stated): gnomAD exomes below 0.00001.

Submissions (3):

Blueprint Genetics
Classification: Uncertain significance. Last evaluated: 2024-07-25. Review status: criteria provided, single submitter. Criteria: ACMG Guidelines, 2015. Collection method: clinical testing. Allele origin: germline.

Victorian Clinical Genetics Services, Murdoch Childrens Research Institute
Classification: Uncertain significance for Primary dilated cardiomyopathy. Last evaluated: 2023-07-17. Review status: criteria provided, single submitter. Criteria: ACMG Guidelines, 2015. Collection method: clinical testing. Allele origin: germline. Inheritance: Autosomal dominant inheritance.
Comment: Based on the classification scheme VCGS_Germline_v1.3.4, this variant is classified as VUS-3B. Following criteria are met: 0103 - Loss of function and gain of function are known mechanisms of disease in this gene. Loss of function is the established mechanism of disease for variants in dilated cardiomyopathy, hypertrophic cardiomyopathy, restrictive cardiomyopathy (MIM#617047) and myofibrillar myopathy (MIM#609524), and recently has been associated with arrhythmogenic right ventricular cardiomyopathy (ARVC; PMID: 31627847). In distal myopathy (MIM#614065), NMD-predicted variants cause a loss of function, however missense variants have been shown to result in a toxic gain of function (PMID: 32112656). (I) 0107 - This gene is associated with autosomal dominant disease (OMIM). (I) 0200 - Variant is predicted to result in a missense amino acid change from histidine to tyrosine. (I) 0251 - This variant is heterozygous. (I) 0301 - Variant is absent from gnomAD (both v2 and v3). (SP) 0501 - Missense variant consistently predicted to be damaging by multiple in silico tools or highly conserved with a major amino acid change. (SP) 0600 - Variant is located in the annotated filamin repeat domain (DECIPHER). (I) 0705 - No comparable missense variants have previous evidence for pathogenicity. (I) 0807 - This variant has no previous evidence of pathogenicity. (I) 0905 - No published segregation evidence has been identified for this variant. (I) 1007 - No published functional evidence has been identified for this variant. (I) 1208 - Inheritance information for this variant is not currently available in this individual. (I) Legend: (SP) - Supporting pathogenic, (I) - Information, (SB) - Supporting benign

Labcorp Genetics (formerly Invitae), Labcorp
Classification: Uncertain significance for Distal myopathy with posterior leg and anterior hand involvement; Myofibrillar myopathy 5; Hypertrophic cardiomyopathy 26. Last evaluated: 2022-03-18. Review status: criteria provided, single submitter. Criteria: Invitae Variant Classification Sherloc (09022015). Collection method: clinical testing. Allele origin: germline.
Comment: In summary, the available evidence is currently insufficient to determine the role of this variant in disease. Therefore, it has been classified as a Variant of Uncertain Significance. Algorithms developed to predict the effect of sequence changes on RNA splicing suggest that this variant may disrupt the consensus splice site. Algorithms developed to predict the effect of missense changes on protein structure and function are either unavailable or do not agree on the potential impact of this missense change (SIFT: "Deleterious"; PolyPhen-2: "Possibly Damaging"; Align-GVGD: "Class C15"). This variant has not been reported in the literature in individuals affected with FLNC-related conditions. This variant is not present in population databases (gnomAD no frequency). This sequence change replaces histidine, which is basic and polar, with tyrosine, which is neutral and polar, at codon 1724 of the FLNC protein (p.His1724Tyr).

Literature cited by the submitters: PubMed 31627847 (cited by Victorian Clinical Genetics Services, Murdoch Childrens Research Institute); PubMed 32112656 (cited by Victorian Clinical Genetics Services, Murdoch Childrens Research Institute).